The following is an entry in ClinVar:

ClinVar aggregate classification (germline): Uncertain significance (1 of 4 stars; one submission).

Conditions:
TTN-related disorder. Also called: TTN-related disorders; TTN-related condition; TTN-related disease.

gnomAD v4.1: 6 of 1,609,722 alleles (0.00037%); highest among the groups gnomAD compares: Admixed American, 0.0084%; no homozygotes.

Submission:

PreventionGenetics, part of Exact Sciences
Classification: Uncertain significance for TTN-related condition. Last evaluated: 2025-12-15. Review status: criteria provided, single submitter. Criteria: ACMG Guidelines, 2015. Collection method: clinical testing. Allele origin: germline.
Comment: The TTN c.11312-4036G>T variant is predicted to interfere with splicing. Of note, this variant is also referred to as c.16443G>T (p.Lys5481Asn), located in exon 46 of the alternative Novex-3 transcript NM_133379 (minor small cardiac isoform). This exon is not included in any other TTN transcripts (principle cardiac or skeletal muscle isoforms). To our knowledge, this variant has not been reported in the literature. This variant is reported in 0.012% of alleles in individuals of Latino descent in gnomAD. At this time, the clinical significance of this variant is uncertain due to the absence of conclusive functional and genetic evidence.

NM_001267550.2(TTN):c.11312-4036G>T

Gene: TTN (titin; minus strand). Cytogenetic location: 2q31.2.
Variant type: single nucleotide variant.
Coding change: c.11312-4036G>T on transcript NM_001267550.2 (MANE Select); 4036 bases into the intron before coding-DNA position 11312, G replaced by T.
Molecular consequence: intron variant. On other transcripts: missense variant (1).
Genome position (GRCh38, 1-based): chr2:178,745,957, C>A on the plus strand (G>T on the coding strand, the complement: TTN is on the minus strand). VCF-style: chr2-178745957-C-A. GRCh37 (hg19) VCF-style: chr2-179610684-C-A.
Other names: c.16443G>T, p.Lys5481Asn (NM_133379.5); c.10223-4036G>T (NM_003319.4); c.10799-4036G>T (NM_133437.4); c.10598-4036G>T (NM_133432.3); c.10360+7167G>T (NM_133378.4); c.10361-4036G>T (NM_001256850.1); short protein forms K5481N.
Identifiers: ClinVar variation 5001258 (VCV005001258.1).